The following is an entry in ClinVar:

NM_017617.5(NOTCH1):c.7028A>T (p.Gln2343Leu)

Gene: NOTCH1 (notch receptor 1; minus strand). Cytogenetic location: 9q34.3.
Variant type: single nucleotide variant.
Coding change: c.7028A>T on transcript NM_017617.5 (MANE Select); coding-DNA position 7028, A replaced by T.
Protein change: p.Gln2343Leu; replaces glutamine 2343 with leucine.
Molecular consequence: missense variant.
Genome position (GRCh38, 1-based): chr9:136,496,711, T>A on the plus strand (A>T on the coding strand, the complement: NOTCH1 is on the minus strand). VCF-style: chr9-136496711-T-A. GRCh37 (hg19) VCF-style: chr9-139391163-T-A.
Other names: c.7028A>T (NM_017617.3); short protein forms Q2343L.
Identifiers: ClinVar variation 2703838 (VCV002703838.4), dbSNP rs768695849, ClinGen allele CA5339764.

ClinVar aggregate classification (germline): Conflicting classifications of pathogenicity. Review status: criteria provided, conflicting classifications (1 of 4 stars). 2 submissions from 2 submitters: Uncertain significance (1); Likely benign (1). Last evaluated 2025-06-01.

Conditions:
Adams-Oliver syndrome 5 (AOS5). Identifiers: Orphanet 974, MedGen C4014970, MONDO:0014459, OMIM 616028.

Allele frequency attached by ClinVar (database versions not stated): gnomAD 0.00001; gnomAD exomes 0.00002; TOPMed 0.00002; ExAC 0.00007.
gnomAD v4.1: 22 of 1,612,720 alleles (0.0014%); highest among the groups gnomAD compares: Non-Finnish European, 0.0019%; no homozygotes.

Submissions (2):

GeneDx
Classification: Uncertain significance. Last evaluated: 2025-06-01. Review status: criteria provided, single submitter. Criteria: GeneDx Variant Classification Process June 2021. Collection method: clinical testing. Allele origin: germline. Affected: yes.
Comment: In silico analysis supports that this missense variant has a deleterious effect on protein structure/function; Has not been previously published as pathogenic or benign to our knowledge

Labcorp Genetics (formerly Invitae), Labcorp
Classification: Likely benign for Adams-Oliver syndrome 5. Last evaluated: 2024-04-01. Review status: criteria provided, single submitter. Criteria: Invitae Variant Classification Sherloc (09022015). Collection method: clinical testing. Allele origin: germline.